The following is an entry in ClinVar:

ClinVar aggregate classification (germline): Uncertain significance (1 of 4 stars; one submission).

Conditions:
Cone-rod dystrophy 7 (CORD7). Identifiers: Orphanet 1872, MedGen C1863634, MONDO:0011355, OMIM 603649.

gnomAD v4.1: 1 of 1,549,064 alleles (0.000065%); highest among the groups gnomAD compares: Non-Finnish European, 0.000087%; no homozygotes.

Submission:

Department of Paediatrics at Addenbrookes, Cambridge University Hospitals NHS Foundation Trust (UK)
Classification: Uncertain significance for Cone-rod dystrophy 7. Last evaluated: 2025-05-27. Review status: criteria provided, single submitter. Criteria: Durkie Uk Practice Guidelines For Variant Classification V12 2024 (1). Collection method: clinical testing. Allele origin: unknown.
Comment: PM2_Moderate; BP4_Supporting

NM_014989.7(RIMS1):c.1340A>C (p.His447Pro)

Gene: RIMS1 (regulating synaptic membrane exocytosis 1; plus strand). Cytogenetic location: 6q13.
Variant type: single nucleotide variant.
Coding change: c.1340A>C on transcript NM_014989.7 (MANE Select); coding-DNA position 1340, A replaced by C.
Protein change: p.His447Pro; replaces histidine 447 with proline.
Molecular consequence: missense variant.
Genome position (GRCh38, 1-based): chr6:72,182,811, A>C. VCF-style: chr6-72182811-A-C. GRCh37 (hg19) VCF-style: chr6-72892514-A-C.
Other names: short protein forms H447P.
Identifiers: ClinVar variation 4279550 (VCV004279550.1).